The following is an entry in ClinVar:

ClinVar aggregate classification (germline): Uncertain significance (1 of 4 stars; one submission).

Conditions:
Familial cancer of breast. Also called: BREAST CANCER, FAMILIAL; hereditary breast carcinoma; Hereditary breast cancer. Identifiers: Orphanet 227535, MedGen C0346153, MONDO:0016419, OMIM 114480. Disease mechanism: loss of function.

Submission:

Labcorp Genetics (formerly Invitae), Labcorp
Classification: Uncertain significance for Familial cancer of breast. Last evaluated: 2022-08-26. Review status: criteria provided, single submitter. Criteria: Invitae Variant Classification Sherloc (09022015). Collection method: clinical testing. Allele origin: germline.
Comment: This variant is not present in population databases (gnomAD no frequency). This sequence change replaces glycine, which is neutral and non-polar, with tryptophan, which is neutral and slightly polar, at codon 173 of the PALB2 protein (p.Gly173Trp). In summary, the available evidence is currently insufficient to determine the role of this variant in disease. Therefore, it has been classified as a Variant of Uncertain Significance. Algorithms developed to predict the effect of missense changes on protein structure and function are either unavailable or do not agree on the potential impact of this missense change (SIFT: "Deleterious"; PolyPhen-2: "Probably Damaging"; Align-GVGD: "Class C0"). This variant has not been reported in the literature in individuals affected with PALB2-related conditions.

NM_024675.4(PALB2):c.517G>T (p.Gly173Trp)

Gene: PALB2 (partner and localizer of BRCA2; minus strand). Cytogenetic location: 16p12.2.
Variant type: single nucleotide variant.
Coding change: c.517G>T on transcript NM_024675.4 (MANE Select); coding-DNA position 517, G replaced by T.
Protein change: p.Gly173Trp; replaces glycine 173 with tryptophan.
Molecular consequence: missense variant.
Genome position (GRCh38, 1-based): chr16:23,636,029, C>A on the plus strand (G>T on the coding strand, the complement: PALB2 is on the minus strand). VCF-style: chr16-23636029-C-A. GRCh37 (hg19) VCF-style: chr16-23647350-C-A.
Other names: c.457G>T, p.Gly153Trp (NM_001407296.1); c.517G>T, p.Gly173Trp (NM_001407297.1, NM_001407298.1, NM_001407299.1 and 3 more transcripts); c.-369G>T (NM_001407304.1, NM_001407305.1, NM_001407306.1 and 5 more transcripts); short protein forms G153W, G173W.
Identifiers: ClinVar variation 1718067 (VCV001718067.5), dbSNP rs878855121, ClinGen allele CA395136996.